The following is an entry in ClinVar:

ClinVar aggregate classification (germline): Likely benign. Review status: criteria provided, single submitter (1 of 4 stars). 2 submissions from 2 submitters: Likely benign (1). 1 of the submissions does not count toward it. Last evaluated 2026-01-25.

Conditions:
TRAPPC12-related disorder. Also called: TRAPPC12-related condition.

Allele frequency attached by ClinVar (database versions not stated): ESP Exome Variant Server 0.00034; ExAC 0.00088; 1000 Genomes Project 0.00100; 1000 Genomes Project 30x 0.00125; gnomAD 0.00194; TOPMed 0.00236.
gnomAD v4.1: 580 of 1,480,320 alleles (0.039%); highest among the groups gnomAD compares: African/African-American, 0.6%; 3 homozygotes.

Submissions (2):

Labcorp Genetics (formerly Invitae), Labcorp
Classification: Likely benign. Last evaluated: 2026-01-25. Review status: criteria provided, single submitter. Criteria: Invitae Variant Classification Sherloc (09022015). Collection method: clinical testing. Allele origin: germline.

PreventionGenetics, part of Exact Sciences
Classification: Likely benign for TRAPPC12-related condition. Last evaluated: 2019-04-29. Review status: no assertion criteria provided. Collection method: clinical testing. Allele origin: germline. Not counted in ClinVar's aggregate classification.
Comment: This variant is classified as likely benign based on ACMG/AMP sequence variant interpretation guidelines (Richards et al. 2015 PMID: 25741868, with internal and published modifications).

NM_016030.6(TRAPPC12):c.339G>A (p.Glu113=)

Gene: TRAPPC12 (trafficking protein particle complex subunit 12; plus strand). Cytogenetic location: 2p25.3.
Variant type: single nucleotide variant.
Coding change: c.339G>A on transcript NM_016030.6 (MANE Select); coding-DNA position 339, G replaced by A.
Protein change: p.Glu113=; no amino-acid change (glutamic acid 113 retained).
Molecular consequence: synonymous variant.
Genome position (GRCh38, 1-based): chr2:3,387,962, G>A. VCF-style: chr2-3387962-G-A. GRCh37 (hg19) VCF-style: chr2-3391733-G-A.
Other names: c.339G>A, p.Glu113= (NM_001321102.2); c.339G>A (NM_016030.5).
Identifiers: ClinVar variation 2057990 (VCV002057990.6), dbSNP rs368102970, ClinGen allele CA1515071.